The following is an entry in ClinVar:

NM_024753.5(TTC21B):c.2530A>G (p.Met844Val)

Gene: TTC21B (tetratricopeptide repeat domain 21B; minus strand). Cytogenetic location: 2q24.3.
Variant type: single nucleotide variant.
Coding change: c.2530A>G on transcript NM_024753.5 (MANE Select); coding-DNA position 2530, A replaced by G.
Protein change: p.Met844Val; replaces methionine 844 with valine.
Molecular consequence: missense variant.
Genome position (GRCh38, 1-based): chr2:165,907,716, T>C on the plus strand (A>G on the coding strand, the complement: TTC21B is on the minus strand). VCF-style: chr2-165907716-T-C. GRCh37 (hg19) VCF-style: chr2-166764226-T-C.
Other names: short protein forms M844V.
Identifiers: ClinVar variation 281236 (VCV000281236.17), dbSNP rs766811699, ClinGen allele CA1941809.

ClinVar aggregate classification (germline): Conflicting classifications of pathogenicity. Review status: criteria provided, conflicting classifications (1 of 4 stars). 7 submissions from 6 submitters: Uncertain significance (5); Likely benign (2). Last evaluated 2025-08-29.

Conditions:
TTC21B-related disorder. Also called: TTC21B-related disorders; TTC21B-related condition.
Nephronophthisis. Also called: Juvenile Nephronophthisis. Identifiers: Orphanet 655, MedGen C0687120, MONDO:0019005, HP:0000090.
Jeune thoracic dystrophy. Also called: Jeune syndrome; Infantile thoracic dystrophy; Thoracic pelvic phalangeal dystrophy; Jeune's syndrome; Chondroectodermal dysplasia-like syndrome; Short-rib thoracic dysplasia. Identifiers: Orphanet 474, MedGen C0265275, MONDO:0018770.
Nephronophthisis 12 (NPHP12). Identifiers: Orphanet 655, MedGen C3151186, MONDO:0013442, OMIM 613820.
Asphyxiating thoracic dystrophy 4 (SRTD4). Also called: SHORT-RIB THORACIC DYSPLASIA 4 WITH OR WITHOUT POLYDACTYLY; SHORT-RIB THORACIC DYSPLASIA 4. Identifiers: Orphanet 474, MedGen C3151185, MONDO:0013441, OMIM 613819.

Allele frequency attached by ClinVar (database versions not stated): gnomAD below 0.00001 and 0.00002; TOPMed 0.00001; gnomAD exomes 0.00009 and 0.00022; ExAC 0.00028.
gnomAD v4.1: 128 of 1,612,944 alleles (0.0079%); highest among the groups gnomAD compares: South Asian, 0.14%; no homozygotes.

Submissions (7):

Labcorp Genetics (formerly Invitae), Labcorp
Classification: Likely benign for Jeune thoracic dystrophy; Nephronophthisis. Last evaluated: 2025-08-29. Review status: criteria provided, single submitter. Criteria: Invitae Variant Classification Sherloc (09022015). Collection method: clinical testing. Allele origin: germline.

PreventionGenetics, part of Exact Sciences
Classification: Uncertain significance for TTC21B-related condition. Last evaluated: 2025-08-13. Review status: criteria provided, single submitter. Criteria: ACMG Guidelines, 2015. Collection method: clinical testing. Allele origin: germline.
Comment: The TTC21B c.2530A>G variant is predicted to result in the amino acid substitution p.Met844Val. This variant was reported in an individual with Meckel-Gruber syndrome (Davis et al. 2011. PubMed ID: 21258341). This variant is reported in 0.18% of alleles in individuals of South Asian descent in gnomAD. At this time, the clinical significance of this variant is uncertain due to the absence of conclusive functional and genetic evidence.

Blueprint Genetics
Classification: Likely benign. Last evaluated: 2024-11-25. Review status: criteria provided, single submitter. Criteria: ACMG Guidelines, 2015. Collection method: clinical testing. Allele origin: germline.

Fulgent Genetics
Classification: Uncertain significance for Asphyxiating thoracic dystrophy 4; Nephronophthisis 12. Last evaluated: 2021-11-05. Review status: criteria provided, single submitter. Criteria: ACMG Guidelines, 2015. Collection method: clinical testing. Allele origin: unknown.

Eurofins Ntd Llc (ga)
Classification: Uncertain significance. Last evaluated: 2018-08-30. Review status: criteria provided, single submitter. Criteria: EGL ClinVar v180209 classification definitions. Collection method: clinical testing. Allele origin: germline. Observed: 1 variant allele, 1 homozygote.

Illumina Laboratory Services, Illumina
Classification: Uncertain significance for Asphyxiating thoracic dystrophy 4. Last evaluated: 2017-09-05. Review status: criteria provided, single submitter. Criteria: ICSL Variant Classification Criteria 13 December 2019. Collection method: clinical testing. Allele origin: germline.
Comment: This variant was observed as part of a predisposition screen in an ostensibly healthy population. A literature search was performed for the gene, cDNA change, and amino acid change (where applicable). Publications were found based on this search. However, the evidence from the literature, in combination with allele frequency data from public databases where available, was not sufficient to rule this variant in or out of causing disease. Therefore, this variant is classified as a variant of unknown significance.

Illumina Laboratory Services, Illumina
Classification: Uncertain significance for Nephronophthisis 12. Last evaluated: 2017-09-05. Review status: criteria provided, single submitter. Criteria: ICSL Variant Classification Criteria 13 December 2019. Collection method: clinical testing. Allele origin: germline.
Comment: the same text as in the submission from Illumina Laboratory Services, Illumina above.

Literature cited by the submitters: PubMed 21258341 (cited by Illumina Laboratory Services, Illumina).